The following is an entry in ClinVar:

NM_052867.4(NALCN):c.3983T>G (p.Val1328Gly)

Gene: NALCN (sodium leak channel, non-selective; minus strand). Cytogenetic location: 13q32.3.
Variant type: single nucleotide variant.
Coding change: c.3983T>G on transcript NM_052867.4 (MANE Select); coding-DNA position 3983, T replaced by G.
Protein change: p.Val1328Gly; replaces valine 1328 with glycine.
Molecular consequence: missense variant.
Genome position (GRCh38, 1-based): chr13:101,074,634, A>C on the plus strand (T>G on the coding strand, the complement: NALCN is on the minus strand). VCF-style: chr13-101074634-A-C. GRCh37 (hg19) VCF-style: chr13-101726985-A-C.
Other names: c.4070T>G, p.Val1357Gly (NM_001350748.2); c.3983T>G, p.Val1328Gly (NM_001350749.2); c.3896T>G, p.Val1299Gly (NM_001350750.2, NM_001350751.2); short protein forms V1299G, V1328G, V1357G.
Identifiers: ClinVar variation 1197994 (VCV001197994.3), dbSNP rs2139471715, ClinGen allele CA388649568.

ClinVar aggregate classification (germline): Likely pathogenic. Review status: criteria provided, multiple submitters, no conflicts (2 of 4 stars). 2 submissions from 2 submitters: Likely pathogenic (2). Last evaluated 2025-12-18.

Conditions:
Congenital contractures of the limbs and face, hypotonia, and developmental delay (CLIFAHDD). Identifiers: Orphanet 562528, MedGen C4225398, MONDO:0014556, OMIM 616266.

Submissions (2):

Equipe Genetique des Anomalies du Developpement, Université de Bourgogne
Classification: Likely pathogenic for Congenital contractures of the limbs and face, hypotonia, and developmental delay. Last evaluated: 2025-12-18. Review status: criteria provided, single submitter. Criteria: ACMG Guidelines, 2015. Collection method: clinical testing. Allele origin: de novo. Affected: yes.

GeneDx
Classification: Likely pathogenic. Last evaluated: 2020-08-18. Review status: criteria provided, single submitter. Criteria: GeneDx Variant Classification Process June 2021. Collection method: clinical testing. Allele origin: germline. Affected: yes.
Comment: Not observed in large population cohorts (Lek et al., 2016); In silico analysis, which includes protein predictors and evolutionary conservation, supports a deleterious effect; Has not been previously published as pathogenic or benign to our knowledge